The following is an entry in ClinVar:

NM_001111.5(ADAR):c.721C>T (p.Leu241Phe)

Gene: ADAR (adenosine deaminase RNA specific; minus strand). Cytogenetic location: 1q21.3.
Variant type: single nucleotide variant.
Coding change: c.721C>T on transcript NM_001111.5 (MANE Select); coding-DNA position 721, C replaced by T.
Protein change: p.Leu241Phe; replaces leucine 241 with phenylalanine.
Molecular consequence: missense variant. On other transcripts: 5 prime UTR variant (6).
Genome position (GRCh38, 1-based): chr1:154,601,921, G>A on the plus strand (C>T on the coding strand, the complement: ADAR is on the minus strand). VCF-style: chr1-154601921-G-A. GRCh37 (hg19) VCF-style: chr1-154574397-G-A.
Other names: c.-165C>T (NM_001025107.3, NM_001193495.2, NM_001365046.1 and 3 more transcripts); c.748C>T, p.Leu250Phe (NM_001365045.1); c.721C>T, p.Leu241Phe (NM_015840.4, NM_015841.4); short protein forms L241F, L250F.
Identifiers: ClinVar variation 2087042 (VCV002087042.4), dbSNP rs144127231, ClinGen allele CA1131649.
Genomic context (GRCh38, chr1:154,601,921, plus strand): 5'-TTACCACTCCGCTGTGCTGGTTCCAAGCCTGAGCTGAGACTGCAATAAAAGGCTCAAGAA[G>A]ATCTTCTGAGACAGATGTGGAGTTTCTGTCTTCCGGTTCCAAACTCGGGTCTGAGTTTGG-3'
Protein context (NP_001102.3, residues 231-251): DRNSTSVSED[Leu241Phe]LEPFIAVSAQ

ClinVar aggregate classification (germline): Uncertain significance (1 of 4 stars; one submission).

Conditions:
Symmetrical dyschromatosis of extremities (DSH). Also called: Dyschromatosis symmetrica hereditaria; RETICULATE ACROPIGMENTATION OF DOHI; SYMMETRIC DYSCHROMATOSIS OF THE EXTREMITIES; DYSCHROMATOSIS SYMMETRICA HEREDITARIA 1. Identifiers: Orphanet 41, MedGen C0406775, MONDO:0007483, OMIM 127400.
Aicardi-Goutieres syndrome 6 (AGS6). Identifiers: Orphanet 51, MedGen C3539013, MONDO:0014007, OMIM 615010.

Allele frequency attached by ClinVar (database versions not stated): gnomAD exomes below 0.00001; ESP Exome Variant Server 0.00008; TOPMed below 0.00001; ExAC 0.00001.

Submission:

Labcorp Genetics (formerly Invitae), Labcorp
Classification: Uncertain significance for Aicardi-Goutieres syndrome 6; Symmetrical dyschromatosis of extremities. Last evaluated: 2025-06-03. Review status: criteria provided, single submitter. Criteria: Invitae Variant Classification Sherloc (09022015). Collection method: clinical testing. Allele origin: germline.
Comment: This sequence change replaces leucine, which is neutral and non-polar, with phenylalanine, which is neutral and non-polar, at codon 241 of the ADAR protein (p.Leu241Phe). This variant is present in population databases (rs144127231, gnomAD 0.007%). This variant has not been reported in the literature in individuals affected with ADAR-related conditions. ClinVar contains an entry for this variant (Variation ID: 2087042). Experimental studies and prediction algorithms are not available or were not evaluated, and the functional significance of this variant is currently unknown. In summary, the available evidence is currently insufficient to determine the role of this variant in disease. Therefore, it has been classified as a Variant of Uncertain Significance.